The following is an entry in ClinVar:

NM_138694.4(PKHD1):c.7350+659T>A

Gene: PKHD1 (PKHD1 ciliary IPT domain containing fibrocystin/polyductin; minus strand). Cytogenetic location: 6p12.2.
Variant type: single nucleotide variant.
Coding change: c.7350+659T>A on transcript NM_138694.4 (MANE Select); 659 bases into the intron after coding-DNA position 7350, T replaced by A.
Molecular consequence: intron variant.
Genome position (GRCh38, 1-based): chr6:51,882,434, A>T on the plus strand (T>A on the coding strand, the complement: PKHD1 is on the minus strand). VCF-style: chr6-51882434-A-T. GRCh37 (hg19) VCF-style: chr6-51747232-A-T.
Other names: c.7350+659T>A (NM_170724.3).
Identifiers: ClinVar variation 4979999 (VCV004979999.1).

ClinVar aggregate classification (germline): Likely benign (1 of 4 stars; one submission).

Conditions:
PKHD1-related disorder. Also called: PKHD1-related condition.

gnomAD v4.1: 161 of 152,320 alleles (0.11%); highest among the groups gnomAD compares: African/African-American, 0.38%; no homozygotes.

Submission:

PreventionGenetics, part of Exact Sciences
Classification: Likely benign for PKHD1-related condition. Last evaluated: 2026-07-05. Review status: criteria provided, single submitter. Criteria: ACMG Guidelines, 2015. Collection method: clinical testing. Allele origin: germline.
Comment: This variant is classified as likely benign based on ACMG/AMP sequence variant interpretation guidelines (Richards et al. 2015 PMID: 25741868, with internal and published modifications).